The following is an entry in ClinVar:

ClinVar aggregate classification (germline): Conflicting classifications of pathogenicity. Review status: criteria provided, conflicting classifications (1 of 4 stars). 3 submissions from 3 submitters: Uncertain significance (1); Likely benign (1). 1 of the submissions does not count toward it. Last evaluated 2023-01-26.

Conditions:
MRPS2-related disorder. Also called: MRPS2-related condition.

Allele frequency attached by ClinVar (database versions not stated): TOPMed 0.00010; gnomAD exomes 0.00019; gnomAD 0.00025; ExAC 0.00034.
gnomAD v4.1: 310 of 1,606,050 alleles (0.019%); highest among the groups gnomAD compares: Non-Finnish European, 0.015%; 1 homozygote.

Submissions (3):

Ambry Genetics
Classification: Uncertain significance. Last evaluated: 2023-01-26. Review status: criteria provided, single submitter. Criteria: Ambry Variant Classification Scheme 2023. Collection method: clinical testing. Allele origin: germline.

Labcorp Genetics (formerly Invitae), Labcorp
Classification: Likely benign. Last evaluated: 2022-12-28. Review status: criteria provided, single submitter. Criteria: Invitae Variant Classification Sherloc (09022015). Collection method: clinical testing. Allele origin: germline.

PreventionGenetics, part of Exact Sciences
Classification: Likely benign for MRPS2-related condition. Last evaluated: 2022-12-12. Review status: no assertion criteria provided. Collection method: clinical testing. Allele origin: germline. Not counted in ClinVar's aggregate classification.
Comment: This variant is classified as likely benign based on ACMG/AMP sequence variant interpretation guidelines (Richards et al. 2015 PMID: 25741868, with internal and published modifications).

NM_016034.5(MRPS2):c.140T>A (p.Leu47His)

Gene: MRPS2 (mitochondrial ribosomal protein S2; plus strand). Cytogenetic location: 9q34.3.
Variant type: single nucleotide variant.
Coding change: c.140T>A on transcript NM_016034.5 (MANE Select); coding-DNA position 140, T replaced by A.
Protein change: p.Leu47His; replaces leucine 47 with histidine.
Molecular consequence: missense variant. On other transcripts: non-coding transcript variant (4).
Genome position (GRCh38, 1-based): chr9:135,501,094, T>A. VCF-style: chr9-135501094-T-A. GRCh37 (hg19) VCF-style: chr9-138392940-T-A.
Other names: c.140T>A, p.Leu47His (NM_001371401.1); c.140T>A (NM_016034.4); short protein forms L47H.
Identifiers: ClinVar variation 2457491 (VCV002457491.7), dbSNP rs541444392, ClinGen allele CA5323820.